The following is an entry in ClinVar:

NM_015896.4(ZMYND10):c.797T>C (p.Leu266Pro)

Gene: ZMYND10 (zinc finger MYND-type containing 10; minus strand). Cytogenetic location: 3p21.31.
Variant type: single nucleotide variant.
Coding change: c.797T>C on transcript NM_015896.4 (MANE Select); coding-DNA position 797, T replaced by C.
Protein change: p.Leu266Pro; replaces leucine 266 with proline.
Molecular consequence: missense variant.
Genome position (GRCh38, 1-based): chr3:50,342,473, A>G on the plus strand (T>C on the coding strand, the complement: ZMYND10 is on the minus strand). VCF-style: chr3-50342473-A-G. GRCh37 (hg19) VCF-style: chr3-50379904-A-G.
Other names: c.782T>C, p.Leu261Pro (NM_001308379.2); short protein forms L266P, L261P.
Identifiers: ClinVar variation 66026 (VCV000066026.10), dbSNP rs200913791, ClinGen allele CA214445.

ClinVar aggregate classification (germline): Pathogenic. Review status: criteria provided, multiple submitters, no conflicts (2 of 4 stars). 4 submissions from 4 submitters: Pathogenic (3). 1 of the submissions does not count toward it. Last evaluated 2026-02-05.

Conditions:
ZMYND10-related disorder. Also called: ZMYND10-related condition.
Primary ciliary dyskinesia 22. Also called: CILIARY DYSKINESIA, PRIMARY, 22, WITH OR WITHOUT SITUS INVERSUS. Identifiers: Orphanet 244, MedGen C3809543, MONDO:0014192, OMIM 615444.
Primary ciliary dyskinesia. Also called: Ciliary dyskinesia. Identifiers: Orphanet 244, MedGen C0008780, MONDO:0016575, HP:0012265.

Allele frequency attached by ClinVar (database versions not stated): TOPMed 0.00002; gnomAD 0.00003 and 0.00004; gnomAD exomes 0.00009 and 0.00020; ExAC 0.00036.

Submissions (4):

Clinical Genetics and Genomics, Karolinska University Hospital
Classification: Pathogenic for Primary ciliary dyskinesia 22. Last evaluated: 2026-02-05. Review status: criteria provided, single submitter. Criteria: ACMG Guidelines, 2015. Collection method: clinical testing. Allele origin: germline. Inheritance: Autosomal recessive inheritance. Affected: yes.

Labcorp Genetics (formerly Invitae), Labcorp
Classification: Pathogenic for Primary ciliary dyskinesia. Last evaluated: 2025-06-27. Review status: criteria provided, single submitter. Criteria: Invitae Variant Classification Sherloc (09022015). Collection method: clinical testing. Allele origin: germline.
Comment: This sequence change replaces leucine, which is neutral and non-polar, with proline, which is neutral and non-polar, at codon 266 of the ZMYND10 protein (p.Leu266Pro). This variant is present in population databases (rs200913791, gnomAD 0.04%). This missense change has been observed in individual(s) with primary ciliary dyskinesia and clinical features of primary ciliary dyskinesia (PMID: 23891471; internal data). In at least one individual the data is consistent with being in trans (on the opposite chromosome) from a pathogenic variant. It has also been observed to segregate with disease in related individuals. ClinVar contains an entry for this variant (Variation ID: 66026). Invitae Evidence Modeling of protein sequence and biophysical properties (such as structural, functional, and spatial information, amino acid conservation, physicochemical variation, residue mobility, and thermodynamic stability) indicates that this missense variant is expected to disrupt ZMYND10 protein function with a positive predictive value of 80%. For these reasons, this variant has been classified as Pathogenic.

Blueprint Genetics
Classification: Pathogenic for ZMYND10-related disorders. Last evaluated: 2023-12-21. Review status: criteria provided, single submitter. Criteria: ACMG Guidelines, 2015. Collection method: clinical testing. Allele origin: germline. Affected: yes. Observed: 5 variant alleles.

OMIM
Classification: Pathogenic for CILIARY DYSKINESIA, PRIMARY, 22. Last evaluated: 2013-08-08. Review status: no assertion criteria provided. Collection method: literature only. Allele origin: germline. Not counted in ClinVar's aggregate classification.

Literature cited by the submitters: PubMed 23891471 (cited by Labcorp Genetics (formerly Invitae), Labcorp and OMIM).